The following is an entry in ClinVar:

ClinVar aggregate classification (germline): Uncertain significance (1 of 4 stars; one submission).

Conditions:
Sifrim-Hitz-Weiss syndrome (SIHIWES). Also called: CHD4 Neurodevelopmental Disorder; SIFRIM-HITZ-WEISS MULTIPLE CONGENITAL ANOMALIES-MENTAL RETARDATION SYNDROME. Identifiers: Orphanet 653712, MedGen C4310688, MONDO:0014946, OMIM 617159.

Submission:

3billion
Classification: Uncertain significance for Sifrim-Hitz-Weiss syndrome. Last evaluated: 2024-10-07. Review status: criteria provided, single submitter. Criteria: ACMG Guidelines, 2015. Collection method: clinical testing. Allele origin: germline. Affected: yes.
Comment: The variant is not observed in the gnomAD v4.1.0 dataset. Predicted Consequence/Location: Missense variant. Missense changes are a common disease-causing mechanism. In silico tool predictions suggest damaging effect of the variant on gene or gene product [REVEL: 0.90 (>=0.6, sensitivity 0.68 and specificity 0.92); 3Cnet: 0.99 (>=0.6, sensitivity 0.72 and precision 0.9)]. Therefore, this variant is classified as VUS according to the recommendation of ACMG/AMP guideline.

NM_001273.5(CHD4):c.2453A>G (p.Glu818Gly)

Gene: CHD4 (chromodomain helicase DNA binding protein 4; minus strand). Cytogenetic location: 12p13.31.
Variant type: single nucleotide variant.
Coding change: c.2453A>G on transcript NM_001273.5 (MANE Select); coding-DNA position 2453, A replaced by G.
Protein change: p.Glu818Gly; replaces glutamic acid 818 with glycine.
Molecular consequence: missense variant.
Genome position (GRCh38, 1-based): chr12:6,593,477, T>C on the plus strand (A>G on the coding strand, the complement: CHD4 is on the minus strand). VCF-style: chr12-6593477-T-C. GRCh37 (hg19) VCF-style: chr12-6702643-T-C.
Other names: c.2432A>G, p.Glu811Gly (NM_001297553.2); c.2414A>G, p.Glu805Gly (NM_001363606.2); short protein forms E805G, E811G, E818G.
Identifiers: ClinVar variation 4293292 (VCV004293292.1).